The following is an entry in ClinVar:

ClinVar aggregate classification (germline): Likely benign. Review status: criteria provided, single submitter (1 of 4 stars). 2 submissions from 2 submitters: Likely benign (1). 1 of the submissions does not count toward it. Last evaluated 2026-01-09.

Conditions:
BBS2-related disorder. Also called: BBS2-related disorders; BBS2-related condition. Identifiers: MedGen CN239228.
Bardet-Biedl syndrome (BBS). Identifiers: Orphanet 110, MedGen C0752166, MONDO:0015229.

Allele frequency attached by ClinVar (database versions not stated): gnomAD 0.00001; TOPMed 0.00001; gnomAD exomes 0.00003.
gnomAD v4.1: 18 of 1,614,066 alleles (0.0011%); highest among the groups gnomAD compares: Non-Finnish European, 0.0015%; no homozygotes.

Submissions (2):

Labcorp Genetics (formerly Invitae), Labcorp
Classification: Likely benign for Bardet-Biedl syndrome. Last evaluated: 2026-01-09. Review status: criteria provided, single submitter. Criteria: Invitae Variant Classification Sherloc (09022015). Collection method: clinical testing. Allele origin: germline.

PreventionGenetics, part of Exact Sciences
Classification: Likely benign for BBS2-related condition. Last evaluated: 2019-09-04. Review status: no assertion criteria provided. Collection method: clinical testing. Allele origin: germline. Not counted in ClinVar's aggregate classification.
Comment: This variant is classified as likely benign based on ACMG/AMP sequence variant interpretation guidelines (Richards et al. 2015 PMID: 25741868, with internal and published modifications).

NM_031885.5(BBS2):c.1326C>T (p.Cys442=)

Gene: BBS2 (Bardet-Biedl syndrome 2; minus strand). Cytogenetic location: 16q13.
Variant type: single nucleotide variant.
Coding change: c.1326C>T on transcript NM_031885.5 (MANE Select); coding-DNA position 1326, C replaced by T.
Protein change: p.Cys442=; no amino-acid change (cysteine 442 retained).
Molecular consequence: synonymous variant. On other transcripts: non-coding transcript variant (2).
Genome position (GRCh38, 1-based): chr16:56,500,925, G>A on the plus strand (C>T on the coding strand, the complement: BBS2 is on the minus strand). VCF-style: chr16-56500925-G-A. GRCh37 (hg19) VCF-style: chr16-56534837-G-A.
Other names: c.1326C>T (NM_031885.3); c.1326C>T, p.Cys442= (NM_001377456.1).
Identifiers: ClinVar variation 1118657 (VCV001118657.11), dbSNP rs1478971000, ClinGen allele CA495586839.